The following is an entry in ClinVar:

NM_015168.2(ZC3H4):c.3834C>T (p.Arg1278=)

Gene: ZC3H4 (zinc finger CCCH-type containing 4; minus strand). Cytogenetic location: 19q13.32.
Variant type: single nucleotide variant.
Coding change: c.3834C>T on transcript NM_015168.2 (MANE Select); coding-DNA position 3834, C replaced by T.
Protein change: p.Arg1278=; no amino-acid change (arginine 1278 retained).
Molecular consequence: synonymous variant.
Genome position (GRCh38, 1-based): chr19:47,066,434, G>A on the plus strand (C>T on the coding strand, the complement: ZC3H4 is on the minus strand). VCF-style: chr19-47066434-G-A. GRCh37 (hg19) VCF-style: chr19-47569691-G-A.
Identifiers: ClinVar variation 3053829 (VCV003053829.2), dbSNP rs142249528, ClinGen allele CA9534472.

ClinVar aggregate classification (germline): Benign (0 of 4 stars; one submission).

Conditions:
ZC3H4-related disorder. Also called: ZC3H4-related condition.

Allele frequency attached by ClinVar (database versions not stated): ESP Exome Variant Server 0.00397; 1000 Genomes Project 0.00479; 1000 Genomes Project 30x 0.00500.

Submission:

PreventionGenetics, part of Exact Sciences
Classification: Benign for ZC3H4-related condition. Last evaluated: 2020-02-07. Review status: no assertion criteria provided. Collection method: clinical testing. Allele origin: germline.
Comment: This variant is classified as benign based on ACMG/AMP sequence variant interpretation guidelines (Richards et al. 2015 PMID: 25741868, with internal and published modifications).